The following is an entry in ClinVar:

NM_006371.5(CRTAP):c.-45T>G

Genes: CRTAP (cartilage associated protein; plus strand), LOC129936436 (ATAC-STARR-seq lymphoblastoid silent region 14183; plus strand). Cytogenetic location: 3p22.3.
Variant type: single nucleotide variant.
Coding change: c.-45T>G on transcript NM_006371.5 (MANE Select); 45 bases upstream of the start codon, T replaced by G.
Molecular consequence: 5 prime UTR variant.
Genome position (GRCh38, 1-based): chr3:33,114,033, T>G. VCF-style: chr3-33114033-T-G. GRCh37 (hg19) VCF-style: chr3-33155525-T-G.
Other names: c.-45T>G (NM_001393363.1, NM_001393364.1, NM_001393365.1).
Identifiers: ClinVar variation 509473 (VCV000509473.1), dbSNP rs1369155614, ClinGen allele CA542612894.
Genomic context (GRCh38, chr3:33,114,033, plus strand): 5'-CCCCGAAAGCACTGGGCCCGCCGCGTCGCACCGTCCTCTTTCCTTTCCTTCTCCCTCCCC[T>G]TTTCCCTTCCTTCGTCCCTTCCTTCCTTCCTTTCGCCGGGCGCGATGGAGCCGGGGCGCC-3'

ClinVar aggregate classification (germline): Likely benign (1 of 4 stars; one submission).

Allele frequency attached by ClinVar (database versions not stated): TOPMed 0.00001; gnomAD exomes 0.00002.
gnomAD v4.1: 3 of 1,382,250 alleles (0.00022%); highest among the groups gnomAD compares: Admixed American, 0.0029%; no homozygotes.

Submission:

GeneDx
Classification: Likely benign. Last evaluated: 2017-05-05. Review status: criteria provided, single submitter. Criteria: GeneDx Variant Classification (06012015). Collection method: clinical testing. Allele origin: germline. Affected: yes.
Comment: This variant is considered likely benign or benign based on one or more of the following criteria: it is a conservative change, it occurs at a poorly conserved position in the protein, it is predicted to be benign by multiple in silico algorithms, and/or has population frequency not consistent with disease.